The following is an entry in ClinVar:

NM_004082.5(DCTN1):c.2060G>T (p.Ser687Ile)

Gene: DCTN1 (dynactin subunit 1; minus strand). Cytogenetic location: 2p13.1.
Variant type: single nucleotide variant.
Coding change: c.2060G>T on transcript NM_004082.5 (MANE Select); coding-DNA position 2060, G replaced by T.
Protein change: p.Ser687Ile; replaces serine 687 with isoleucine.
Molecular consequence: missense variant. On other transcripts: non-coding transcript variant (1).
Genome position (GRCh38, 1-based): chr2:74,367,820, C>A on the plus strand (G>T on the coding strand, the complement: DCTN1 is on the minus strand). VCF-style: chr2-74367820-C-A. GRCh37 (hg19) VCF-style: chr2-74594947-C-A.
Other names: c.2000G>T, p.Ser667Ile (NM_001135040.3); c.1658G>T, p.Ser553Ile (NM_001135041.3, NM_023019.4); c.1949G>T, p.Ser650Ile (NM_001190836.2); c.2039G>T, p.Ser680Ile (NM_001190837.2); c.2009G>T, p.Ser670Ile (NM_001378991.1); c.1991G>T, p.Ser664Ile (NM_001378992.1); short protein forms S553I, S650I, S664I, S667I, S670I, S680I, S687I.
Identifiers: ClinVar variation 3763102 (VCV003763102.2).

ClinVar aggregate classification (germline): Uncertain significance (1 of 4 stars; one submission).

Conditions:
Amyotrophic lateral sclerosis type 1 (ALS1). Also called: AMYOTROPHIC LATERAL SCLEROSIS 1, FAMILIAL. Identifiers: Orphanet 803, MedGen C1862939, MONDO:0007103, OMIM 105400.
Neuronopathy, distal hereditary motor, type 7B. Also called: HMN VIIB; LOWER MOTOR NEURON DISEASE, DYNACTIN TYPE; NEURONOPATHY, DISTAL HEREDITARY MOTOR, AUTOSOMAL DOMINANT 14; NEURONOPATHY, DISTAL HEREDITARY MOTOR, HARDING TYPE VIIB; NEUROPATHY, DISTAL HEREDITARY MOTOR, HARDING TYPE VIIB; NEUROPATHY, DISTAL HEREDITARY MOTOR, WITH VOCAL CORD PARALYSIS, HARDING TYPE VIIB. Identifiers: Orphanet 139589, MedGen C1843315, MONDO:0011879, OMIM 607641.
Perry syndrome. Also called: PARKINSONISM WITH ALVEOLAR HYPOVENTILATION AND MENTAL DEPRESSION. Identifiers: Orphanet 178509, MedGen C1868594, MONDO:0008201, OMIM 168605.

gnomAD v4.1: 1 of 1,614,058 alleles (0.000062%); highest among the groups gnomAD compares: Admixed American, 0.0017%; no homozygotes.

Submission:

Labcorp Genetics (formerly Invitae), Labcorp
Classification: Uncertain significance for Amyotrophic lateral sclerosis type 1; Neuronopathy, distal hereditary motor, type 7B; Perry syndrome. Last evaluated: 2024-05-04. Review status: criteria provided, single submitter. Criteria: Invitae Variant Classification Sherloc (09022015). Collection method: clinical testing. Allele origin: germline.
Comment: This sequence change replaces serine, which is neutral and polar, with isoleucine, which is neutral and non-polar, at codon 687 of the DCTN1 protein (p.Ser687Ile). This variant is not present in population databases (gnomAD no frequency). This variant has not been reported in the literature in individuals affected with DCTN1-related conditions. Advanced modeling of protein sequence and biophysical properties (such as structural, functional, and spatial information, amino acid conservation, physicochemical variation, residue mobility, and thermodynamic stability) performed at Invitae indicates that this missense variant is not expected to disrupt DCTN1 protein function with a negative predictive value of 80%. In summary, the available evidence is currently insufficient to determine the role of this variant in disease. Therefore, it has been classified as a Variant of Uncertain Significance.